The following is an entry in ClinVar:

ClinVar aggregate classification (germline): Pathogenic (1 of 4 stars; one submission).

Conditions:
Lynch syndrome 5 (LYNCH5). Also called: Colorectal cancer, hereditary nonpolyposis, type 5; Hereditary non-polyposis colorectal cancer, type 5. Identifiers: Orphanet 144, MedGen C1833477, MONDO:0013710, OMIM 614350. Disease mechanism: loss of function.

Submission:

Myriad Genetics, Inc.
Classification: Pathogenic for Lynch syndrome 5. Last evaluated: 2025-02-06. Review status: criteria provided, single submitter. Criteria: Myriad Autosomal Dominant, Autosomal Recessive and X-Linked Classification Criteria (2023). Collection method: clinical testing. Allele origin: unknown.
Comment: This variant is considered pathogenic. This variant creates a frameshift predicted to result in premature protein truncation.

NM_000179.3(MSH6):c.2246del (p.Gly749fs)

Gene: MSH6 (mutS homolog 6; plus strand). Cytogenetic location: 2p16.3.
Variant type: Deletion.
Coding change: c.2246del on transcript NM_000179.3 (MANE Select); coding-DNA position 2246, one base deleted (G; older notation c.2246delG).
Protein change: p.Gly749fs; shifts the reading frame from glycine 749.
Molecular consequence: frameshift variant. On other transcripts: non-coding transcript variant (5), intron variant (2).
Genome position (GRCh38, 1-based): chr2:47,800,229, G deleted; the last of 2 consecutive G bases (chr2:47,800,228-47,800,229); deleting either gives the same sequence. VCF-style (leftmost placement, unchanged base first): chr2-47800227-TG-T. GRCh37 (hg19) VCF-style: chr2-48027366-TG-T.
Other names: c.1340del, p.Gly447fs (NM_001406815.1, NM_001406816.1, NM_001406823.1 and 6 more transcripts); c.1949del, p.Gly650fs (NM_001406818.1, NM_001406819.1, NM_001406820.1 and 10 more transcripts); c.2078del, p.Gly693fs (NM_001406826.1); c.1606+640del (NM_001406817.1); c.628-437del (NM_001407362.1); c.1856del, p.Gly619fs (NM_001281492.2); c.2342del, p.Gly781fs (NM_001406795.1, NM_001406802.1); c.2246del, p.Gly749fs (NM_001406796.1, NM_001406798.1, NM_001406800.1 and 3 more transcripts); and 3 more; short protein forms G447fs, G574fs, G619fs, G650fs, G693fs, G723fs, G749fs, G751fs.
Identifiers: ClinVar variation 3903632 (VCV003903632.1).